The following is an entry in ClinVar:

ClinVar aggregate classification (germline): Benign. Review status: criteria provided, multiple submitters, no conflicts (2 of 4 stars). 3 submissions from 3 submitters: Benign (2). 1 of the submissions does not count toward it. Last evaluated 2021-01-31.

Conditions:
NCKAP1-related disorder. Also called: NCKAP1-related condition.

Allele frequency attached by ClinVar (database versions not stated): ESP Exome Variant Server 0.63456; TOPMed 0.64785; gnomAD 0.65752 and 0.67132; 1000 Genomes Project 30x 0.69113; 1000 Genomes Project 0.70367; gnomAD exomes 0.78041 and 0.78153; ExAC 0.79035.
gnomAD v4.1: 1,094,935 of 1,424,956 alleles (77%); highest among the groups gnomAD compares: East Asian, 96%; 430,417 homozygotes.

Submissions (3):

GeneDx
Classification: Benign. Last evaluated: 2021-01-31. Review status: criteria provided, single submitter. Criteria: GeneDx Variant Classification Process June 2021. Collection method: clinical testing. Allele origin: germline. Affected: yes.

Breakthrough Genomics
Classification: Benign. Review status: criteria provided, single submitter. Criteria: ACMG Guidelines, 2015. Collection method: not provided. Allele origin: germline. Inheritance: Unknown mechanism. Affected: yes.

PreventionGenetics, part of Exact Sciences
Classification: Benign for NCKAP1-related condition. Last evaluated: 2019-10-16. Review status: no assertion criteria provided. Collection method: clinical testing. Allele origin: germline. Not counted in ClinVar's aggregate classification.
Comment: This variant is classified as benign based on ACMG/AMP sequence variant interpretation guidelines (Richards et al. 2015 PMID: 25741868, with internal and published modifications).

NM_013436.5(NCKAP1):c.2781C>G (p.Val927=)

Gene: NCKAP1 (NCK associated protein 1; minus strand). Cytogenetic location: 2q32.1.
Variant type: single nucleotide variant.
Coding change: c.2781C>G on transcript NM_013436.5 (MANE Select); coding-DNA position 2781, C replaced by G.
Protein change: p.Val927=; no amino-acid change (valine 927 retained).
Molecular consequence: synonymous variant.
Genome position (GRCh38, 1-based): chr2:182,934,830, G>C on the plus strand (C>G on the coding strand, the complement: NCKAP1 is on the minus strand). VCF-style: chr2-182934830-G-C. GRCh37 (hg19) VCF-style: chr2-183799558-G-C.
Other names: c.2799C>G, p.Val933= (NM_205842.3).
Identifiers: ClinVar variation 1268390 (VCV001268390.4), dbSNP rs9288088, ClinGen allele CA2014269.